The following is an entry in ClinVar:

ClinVar aggregate classification (germline): Uncertain significance (1 of 4 stars; one submission).

Conditions:
Muscular dystrophy-dystroglycanopathy (congenital with impaired intellectual development), type B, 14. Also called: Muscular dystrophy-dystroglycanopathy (congenital with intellectual disability), type B14; MUSCULAR DYSTROPHY, CONGENITAL, GMPPB-RELATED; Congenital muscular dystrophy-dystroglycanopathy with mental retardation, type B14. Identifiers: MedGen C3809221, MONDO:0014141, OMIM 615351.
Muscular dystrophy-dystroglycanopathy (congenital with brain and eye anomalies), type A14. Also called: WALKER-WARBURG SYNDROME OR MUSCLE-EYE-BRAIN DISEASE, GMPPB-RELATED; Muscular dystrophy-dystroglycanopathy (congenital with brain and eye anomalies), type a, 14; Congenital Muscular Dystrophy-Dystroglycanopathy with Brain and Eye Anomalies Type A 14; Congenital muscular dystrophy-dystroglycanopathy with brain and eye anomalies, type A14. Identifiers: Orphanet 588, MedGen C3809216, MONDO:0014140, OMIM 615350.
Autosomal recessive limb-girdle muscular dystrophy type 2T. Also called: MUSCULAR DYSTROPHY-DYSTROGLYCANOPATHY, LIMB-GIRDLE, GMPPB-RELATED; MUSCULAR DYSTROPHY, LIMB-GIRDLE, TYPE 2T; Muscular dystrophy-dystroglycanopathy (limb-girdle), type c, 14; Limb-girdle muscular dystrophy-dystroglycanopathy, type C14. Identifiers: Orphanet 363623, MedGen C4518000, MONDO:0014142, OMIM 615352.

Submission:

Labcorp Genetics (formerly Invitae), Labcorp
Classification: Uncertain significance for Autosomal recessive limb-girdle muscular dystrophy type 2T; Muscular dystrophy-dystroglycanopathy (congenital with brain and eye anomalies), type A14; Muscular dystrophy-dystroglycanopathy (congenital with impaired intellectual development), type B, 14. Last evaluated: 2022-04-04. Review status: criteria provided, single submitter. Criteria: Invitae Variant Classification Sherloc (09022015). Collection method: clinical testing. Allele origin: germline.
Comment: In summary, the available evidence is currently insufficient to determine the role of this variant in disease. Therefore, it has been classified as a Variant of Uncertain Significance. Advanced modeling of protein sequence and biophysical properties (such as structural, functional, and spatial information, amino acid conservation, physicochemical variation, residue mobility, and thermodynamic stability) performed at Invitae indicates that this missense variant is expected to disrupt GMPPB protein function. This variant has not been reported in the literature in individuals affected with GMPPB-related conditions. This variant is not present in population databases (gnomAD no frequency). This sequence change replaces lysine, which is basic and polar, with arginine, which is basic and polar, at codon 23 of the GMPPB protein (p.Lys23Arg).

NM_021971.4(GMPPB):c.68A>G (p.Lys23Arg)

Gene: GMPPB (GDP-mannose pyrophosphorylase B; minus strand). Cytogenetic location: 3p21.31.
Variant type: single nucleotide variant.
Coding change: c.68A>G on transcript NM_021971.4 (MANE Select); coding-DNA position 68, A replaced by G.
Protein change: p.Lys23Arg; replaces lysine 23 with arginine.
Molecular consequence: missense variant.
Genome position (GRCh38, 1-based): chr3:49,723,659, T>C on the plus strand (A>G on the coding strand, the complement: GMPPB is on the minus strand). VCF-style: chr3-49723659-T-C. GRCh37 (hg19) VCF-style: chr3-49761092-T-C.
Other names: c.68A>G, p.Lys23Arg (NM_013334.4); short protein forms K23R.
Identifiers: ClinVar variation 2104833 (VCV002104833.4), dbSNP rs2544758122, ClinGen allele CA352831679.